The following is an entry in ClinVar:

NM_001291867.2(NHS):c.3235C>T (p.Leu1079Phe)

Gene: NHS (NHS actin remodeling regulator; plus strand). Cytogenetic location: Xp22.13.
Variant type: single nucleotide variant.
Coding change: c.3235C>T on transcript NM_001291867.2 (MANE Select); coding-DNA position 3235, C replaced by T.
Protein change: p.Leu1079Phe; replaces leucine 1079 with phenylalanine.
Molecular consequence: missense variant.
Genome position (GRCh38, 1-based): chrX:17,727,341, C>T. VCF-style: chrX-17727341-C-T. GRCh37 (hg19) VCF-style: chrX-17745461-C-T.
Other names: c.2704C>T, p.Leu902Phe (NM_001136024.4); c.2641C>T, p.Leu881Phe (NM_001291868.2); c.3172C>T, p.Leu1058Phe (NM_198270.4); short protein forms L1058F, L1079F, L881F, L902F.
Identifiers: ClinVar variation 3343075 (VCV003343075.1).
Genomic context (GRCh38, chrX:17,727,341, plus strand): 5'-AGAAAATCCTCACTACAGCAACCCTCTTTAAAAGATGGAACTATATCACTGAGTAAAGAC[C>T]TTGAACTTCCAATTATACCTCCTACCCATCTTGATCTAAGTGCTCTTCATAATGTCTTGA-3'
Protein context (NP_001278796.1, residues 1069-1089): KDGTISLSKD[Leu1079Phe]ELPIIPPTHL

ClinVar aggregate classification (germline): Uncertain significance (1 of 4 stars; one submission).

gnomAD v4.1: 1 of 1,210,578 alleles (0.000083%); highest among the groups gnomAD compares: Non-Finnish European, 0.00011%; no homozygotes.

Submission:

GeneDx
Classification: Uncertain significance. Last evaluated: 2023-04-12. Review status: criteria provided, single submitter. Criteria: GeneDx Variant Classification Process June 2021. Collection method: clinical testing. Allele origin: germline. Affected: yes.
Comment: Not observed at significant frequency in large population cohorts (gnomAD); In silico analysis supports that this missense variant does not alter protein structure/function; Has not been previously published as pathogenic or benign to our knowledge